The following is an entry in ClinVar:

NM_206933.4(USH2A):c.6971C>T (p.Thr2324Ile)

Gene: USH2A (usherin; minus strand). Cytogenetic location: 1q41.
Variant type: single nucleotide variant.
Coding change: c.6971C>T on transcript NM_206933.4 (MANE Select); coding-DNA position 6971, C replaced by T.
Protein change: p.Thr2324Ile; replaces threonine 2324 with isoleucine.
Molecular consequence: missense variant.
Genome position (GRCh38, 1-based): chr1:215,965,466, G>A on the plus strand (C>T on the coding strand, the complement: USH2A is on the minus strand). VCF-style: chr1-215965466-G-A. GRCh37 (hg19) VCF-style: chr1-216138808-G-A.
Other names: short protein forms T2324I.
Identifiers: ClinVar variation 1065788 (VCV001065788.7), dbSNP rs1667318951, ClinGen allele CA344852616.

ClinVar aggregate classification (germline): Uncertain significance. Review status: criteria provided, multiple submitters, no conflicts (2 of 4 stars). 4 submissions from 3 submitters: Uncertain significance (4). Last evaluated 2023-11-04.

Conditions:
Retinitis pigmentosa 39 (RP39). Identifiers: Orphanet 791, MedGen C3151138, MONDO:0013436, OMIM 613809.
Usher syndrome type 2A. Also called: RETINAL DISEASE IN USHER SYNDROME TYPE IIA, MODIFIER OF; USHER SYNDROME, TYPE IIA. Identifiers: Orphanet 231178, Orphanet 886, MedGen C1848634, MONDO:0010169, OMIM 276901.

Submissions (4):

Genome-Nilou Lab
Classification: Uncertain significance for Retinitis pigmentosa 39. Last evaluated: 2023-11-04. Review status: criteria provided, single submitter. Criteria: ACMG Guidelines, 2015. Collection method: clinical testing. Allele origin: germline. Affected: no.

Genome-Nilou Lab
Classification: Uncertain significance for Usher syndrome type 2A. Last evaluated: 2023-11-04. Review status: criteria provided, single submitter. Criteria: ACMG Guidelines, 2015. Collection method: clinical testing. Allele origin: germline. Affected: no.

Labcorp Genetics (formerly Invitae), Labcorp
Classification: Uncertain significance. Last evaluated: 2023-01-11. Review status: criteria provided, single submitter. Criteria: Invitae Variant Classification Sherloc (09022015). Collection method: clinical testing. Allele origin: germline.
Comment: This sequence change replaces threonine, which is neutral and polar, with isoleucine, which is neutral and non-polar, at codon 2324 of the USH2A protein (p.Thr2324Ile). This variant is not present in population databases (gnomAD no frequency). In summary, the available evidence is currently insufficient to determine the role of this variant in disease. Therefore, it has been classified as a Variant of Uncertain Significance. Algorithms developed to predict the effect of missense changes on protein structure and function (SIFT, PolyPhen-2, Align-GVGD) all suggest that this variant is likely to be disruptive. ClinVar contains an entry for this variant (Variation ID: 1065788). This variant has not been reported in the literature in individuals affected with USH2A-related conditions.

Ocular Genomics Institute, Massachusetts Eye and Ear
Classification: Uncertain significance for Retinitis pigmentosa 39. Last evaluated: 2021-04-08. Review status: criteria provided, single submitter. Criteria: ACMG Guidelines, 2015. Collection method: research. Allele origin: germline. Affected: yes.
Comment: Through a review of available evidence we were able to apply the following criteria: PM2. Based on this evidence we have classified this variant as Variant of Uncertain Significance.